The following is an entry in ClinVar:

ClinVar aggregate classification (germline): Uncertain significance (1 of 4 stars; one submission).

Submission:

Ambry Genetics
Classification: Uncertain significance. Last evaluated: 2022-06-24. Review status: criteria provided, single submitter. Criteria: Ambry Variant Classification Scheme 2023. Collection method: clinical testing. Allele origin: germline.
Comment: The p.I301T variant (also known as c.902T>C), located in coding exon 7 of the RECQL gene, results from a T to C substitution at nucleotide position 902. The isoleucine at codon 301 is replaced by threonine, an amino acid with similar properties. This amino acid position is conserved. In addition, this alteration is predicted to be tolerated by in silico analysis. Since supporting evidence is limited at this time, the clinical significance of this alteration remains unclear.

NM_002907.4(RECQL):c.902T>C (p.Ile301Thr)

Gene: RECQL (RecQ like helicase; minus strand). Cytogenetic location: 12p12.1.
Variant type: single nucleotide variant.
Coding change: c.902T>C on transcript NM_002907.4 (MANE Select); coding-DNA position 902, T replaced by C.
Protein change: p.Ile301Thr; replaces isoleucine 301 with threonine.
Molecular consequence: missense variant.
Genome position (GRCh38, 1-based): chr12:21,476,958, A>G on the plus strand (T>C on the coding strand, the complement: RECQL is on the minus strand). VCF-style: chr12-21476958-A-G. GRCh37 (hg19) VCF-style: chr12-21629892-A-G.
Other names: c.902T>C, p.Ile301Thr (NM_032941.3); short protein forms I301T.
Identifiers: ClinVar variation 1765537 (VCV001765537.2), dbSNP rs2540352119, ClinGen allele CA384123034.